The following is an entry in ClinVar:

ClinVar aggregate classification (germline): Pathogenic (1 of 4 stars; one submission).

Conditions:
Cardiovascular phenotype. Identifiers: MedGen CN230736.
Hereditary cancer-predisposing syndrome. Also called: Hereditary Cancer Syndrome; Neoplastic Syndromes, Hereditary; Tumor predisposition; Hereditary neoplastic syndrome. Identifiers: Orphanet 140162, MedGen C0027672, MeSH D009386, MONDO:0015356.

Submission:

Ambry Genetics
Classification: Pathogenic for Cardiovascular phenotype; Hereditary cancer-predisposing syndrome. Last evaluated: 2022-04-20. Review status: criteria provided, single submitter. Criteria: Ambry Variant Classification Scheme 2023. Collection method: clinical testing. Allele origin: germline.
Comment: The c.5337delC pathogenic mutation, located in coding exon 37 of the NF1 gene, results from a deletion of one nucleotide at nucleotide position 5337, causing a translational frameshift with a predicted alternate stop codon (p.L1780*). This alteration has been observed in at least one individual with a personal and/or family history that is consistent with NF1-related disease (Ambry internal data). This variant is considered to be rare based on population cohorts in the Genome Aggregation Database (gnomAD). This alteration is expected to result in loss of function by premature protein truncation or nonsense-mediated mRNA decay. As such, this alteration is interpreted as a disease-causing mutation.

NM_001042492.3(NF1):c.5400del (p.Thr1800_Leu1801insTer)

Gene: NF1 (neurofibromin 1; plus strand). Cytogenetic location: 17q11.2.
Variant type: Deletion.
Coding change: c.5400del on transcript NM_001042492.3 (MANE Select); coding-DNA position 5400, one base deleted (C; older notation c.5400delC).
Protein change: p.Thr1800_Leu1801insTer.
Molecular consequence: frameshift variant. On other transcripts: nonsense (1).
Genome position (GRCh38, 1-based): chr17:31,327,630, C deleted; the last of 2 consecutive C bases (chr17:31,327,629-31,327,630); deleting either gives the same sequence. VCF-style (leftmost placement, unchanged base first): chr17-31327628-AC-A. GRCh37 (hg19) VCF-style: chr17-29654646-AC-A.
Other names: c.5337delC, p.Leu1780Terfs (NM_000267.4); c.5337delC (NM_000267.3).
Identifiers: ClinVar variation 1746905 (VCV001746905.2), dbSNP rs2508706388, ClinGen allele CA2580093288.